The following continues an entry in ClinVar:

NM_004990.4(MARS1):c.1500A>G (p.Lys500=)

Gene: MARS1. ClinVar aggregate classification (germline): Benign. Benign (6).

Submissions 31 to 53 of 53:

Dr. Peter K. Rogan Lab, Western University
No classification provided (evidence only). Condition: Cervical cancer. Review status: no classification provided. Collection method: in vitro. Allele origin: not applicable. Functional consequence: retained intron. Not counted in ClinVar's aggregate classification.

Dr. Peter K. Rogan Lab, Western University
No classification provided (evidence only). Condition: Cervical cancer. Review status: no classification provided. Collection method: in vitro. Allele origin: not applicable. Functional consequence: retained intron. Not counted in ClinVar's aggregate classification.

Dr. Peter K. Rogan Lab, Western University
No classification provided (evidence only). Condition: Cervical cancer. Review status: no classification provided. Collection method: in vitro. Allele origin: not applicable. Functional consequence: retained intron. Not counted in ClinVar's aggregate classification.

Dr. Peter K. Rogan Lab, Western University
No classification provided (evidence only). Condition: Cervical cancer. Review status: no classification provided. Collection method: in vitro. Allele origin: not applicable. Functional consequence: retained intron. Not counted in ClinVar's aggregate classification.

Dr. Peter K. Rogan Lab, Western University
No classification provided (evidence only). Condition: Cervical cancer. Review status: no classification provided. Collection method: in vitro. Allele origin: not applicable. Functional consequence: retained intron. Not counted in ClinVar's aggregate classification.

Dr. Peter K. Rogan Lab, Western University
No classification provided (evidence only). Condition: Sarcoma. Review status: no classification provided. Collection method: in vitro. Allele origin: not applicable. Functional consequence: retained intron. Not counted in ClinVar's aggregate classification.

Dr. Peter K. Rogan Lab, Western University
No classification provided (evidence only). Condition: Malignant lymphoma, large B-cell, diffuse. Review status: no classification provided. Collection method: in vitro. Allele origin: not applicable. Functional consequence: retained intron. Not counted in ClinVar's aggregate classification.

Dr. Peter K. Rogan Lab, Western University
No classification provided (evidence only). Condition: Malignant lymphoma, large B-cell, diffuse. Review status: no classification provided. Collection method: in vitro. Allele origin: not applicable. Functional consequence: retained intron. Not counted in ClinVar's aggregate classification.

Dr. Peter K. Rogan Lab, Western University
No classification provided (evidence only). Condition: Malignant lymphoma, large B-cell, diffuse. Review status: no classification provided. Collection method: in vitro. Allele origin: not applicable. Functional consequence: retained intron. Not counted in ClinVar's aggregate classification.

Dr. Peter K. Rogan Lab, Western University
No classification provided (evidence only). Condition: Hepatocellular carcinoma. Review status: no classification provided. Collection method: in vitro. Allele origin: not applicable. Functional consequence: retained intron. Not counted in ClinVar's aggregate classification.

Dr. Peter K. Rogan Lab, Western University
No classification provided (evidence only). Condition: Hepatocellular carcinoma. Review status: no classification provided. Collection method: in vitro. Allele origin: not applicable. Functional consequence: retained intron. Not counted in ClinVar's aggregate classification.

Dr. Peter K. Rogan Lab, Western University
No classification provided (evidence only). Condition: Hepatocellular carcinoma. Review status: no classification provided. Collection method: in vitro. Allele origin: not applicable. Functional consequence: retained intron. Not counted in ClinVar's aggregate classification.

Dr. Peter K. Rogan Lab, Western University
No classification provided (evidence only). Condition: Hepatocellular carcinoma. Review status: no classification provided. Collection method: in vitro. Allele origin: not applicable. Functional consequence: retained intron. Not counted in ClinVar's aggregate classification.

Dr. Peter K. Rogan Lab, Western University
No classification provided (evidence only). Condition: Hepatocellular carcinoma. Review status: no classification provided. Collection method: in vitro. Allele origin: not applicable. Functional consequence: retained intron. Not counted in ClinVar's aggregate classification.

Dr. Peter K. Rogan Lab, Western University
No classification provided (evidence only). Condition: Hepatocellular carcinoma. Review status: no classification provided. Collection method: in vitro. Allele origin: not applicable. Functional consequence: retained intron. Not counted in ClinVar's aggregate classification.

Dr. Peter K. Rogan Lab, Western University
No classification provided (evidence only). Condition: Hepatocellular carcinoma. Review status: no classification provided. Collection method: in vitro. Allele origin: not applicable. Functional consequence: retained intron. Not counted in ClinVar's aggregate classification.

Dr. Peter K. Rogan Lab, Western University
No classification provided (evidence only). Condition: Hepatocellular carcinoma. Review status: no classification provided. Collection method: in vitro. Allele origin: not applicable. Functional consequence: retained intron. Not counted in ClinVar's aggregate classification.

Dr. Peter K. Rogan Lab, Western University
No classification provided (evidence only). Condition: Hepatocellular carcinoma. Review status: no classification provided. Collection method: in vitro. Allele origin: not applicable. Functional consequence: retained intron. Not counted in ClinVar's aggregate classification.

Dr. Peter K. Rogan Lab, Western University
No classification provided (evidence only). Condition: Hepatocellular carcinoma. Review status: no classification provided. Collection method: in vitro. Allele origin: not applicable. Functional consequence: retained intron. Not counted in ClinVar's aggregate classification.

Dr. Peter K. Rogan Lab, Western University
No classification provided (evidence only). Condition: Hepatocellular carcinoma. Review status: no classification provided. Collection method: in vitro. Allele origin: not applicable. Functional consequence: retained intron. Not counted in ClinVar's aggregate classification.

Dr. Peter K. Rogan Lab, Western University
No classification provided (evidence only). Condition: Hepatocellular carcinoma. Review status: no classification provided. Collection method: in vitro. Allele origin: not applicable. Functional consequence: retained intron. Not counted in ClinVar's aggregate classification.

Dr. Peter K. Rogan Lab, Western University
No classification provided (evidence only). Condition: Thymoma. Review status: no classification provided. Collection method: in vitro. Allele origin: not applicable. Functional consequence: retained intron. Not counted in ClinVar's aggregate classification.

Dr. Peter K. Rogan Lab, Western University
No classification provided (evidence only). Condition: Ovarian serous cystadenocarcinoma. Review status: no classification provided. Collection method: in vitro. Allele origin: not applicable. Functional consequence: retained intron. Not counted in ClinVar's aggregate classification.